The following is an entry in ClinVar:

ClinVar aggregate classification (germline): Conflicting classifications of pathogenicity. Review status: criteria provided, conflicting classifications (1 of 4 stars). 2 submissions from 2 submitters: Uncertain significance (1); Likely benign (1). Last evaluated 2021-11-10.

Submissions (2):

Labcorp Genetics (formerly Invitae), Labcorp
Classification: Uncertain significance. Last evaluated: 2021-11-10. Review status: criteria provided, single submitter. Criteria: Invitae Variant Classification Sherloc (09022015). Collection method: clinical testing. Allele origin: germline.
Comment: In summary, the available evidence is currently insufficient to determine the role of this variant in disease. Therefore, it has been classified as a Variant of Uncertain Significance. Experimental studies and prediction algorithms are not available or were not evaluated, and the functional significance of this variant is currently unknown. This variant has not been reported in the literature in individuals affected with CASZ1-related conditions. The frequency data for this variant in the population databases is considered unreliable, as metrics indicate poor data quality at this position in the gnomAD database. This variant, c.5128_5142del, results in the deletion of 5 amino acid(s) of the CASZ1 protein (p.Asp1710_Asp1714del), but otherwise preserves the integrity of the reading frame.

Blueprint Genetics
Classification: Likely benign. Last evaluated: 2021-10-04. Review status: criteria provided, single submitter. Criteria: ACMG Guidelines, 2015. Collection method: clinical testing. Allele origin: germline.

NM_001079843.3(CASZ1):c.5113GACGACGACGAGGAC[1] (p.1705DDDED[1])

Gene: CASZ1 (castor zinc finger 1; minus strand). Cytogenetic location: 1p36.22.
Variant type: Microsatellite.
Coding change: c.5113GACGACGACGAGGAC[1] on transcript NM_001079843.3 (MANE Select); one copy of the 15-base unit GACGACGACGAGGAC starting at c.5113; the reference has two copies in a row; one copy, 15 bases deleted.
Protein change: p.1705DDDED[1].
Molecular consequence: inframe deletion.
Genome position (GRCh38, 1-based): chr1:10,639,080-10,639,094, GTCCTCGTCGTCGTC deleted on the plus strand (GACGACGACGAGGAC on the coding strand, the reverse complement: CASZ1 is on the minus strand); deleting any 15 consecutive bases within chr1:10,639,080-10,639,109 gives the same sequence; the position shown is the placement nearest the transcript's 3' end. VCF-style (leftmost placement, unchanged base first): chr1-10639079-GGTCCTCGTCGTCGTC-G. GRCh37 (hg19) VCF-style: chr1-10699136-GGTCCTCGTCGTCGTC-G.
Identifiers: ClinVar variation 1481790 (VCV001481790.7), dbSNP rs1486623873, ClinGen allele CA521453034.